The following is an entry in ClinVar:

NM_021930.6(RINT1):c.515+6A>G

Gene: RINT1 (RAD50 interactor 1; plus strand). Cytogenetic location: 7q22.3.
Variant type: single nucleotide variant.
Coding change: c.515+6A>G on transcript NM_021930.6 (MANE Select); 6 bases into the intron after coding-DNA position 515, A replaced by G.
Molecular consequence: intron variant.
Genome position (GRCh38, 1-based): chr7:105,542,655, A>G. VCF-style: chr7-105542655-A-G. GRCh37 (hg19) VCF-style: chr7-105183102-A-G.
Other names: c.-505+6A>G (NM_001346600.2); c.-408+6A>G (NM_001346601.2); c.-28+6A>G (NM_001346603.2); c.281+6A>G (NM_001346599.2).
Identifiers: ClinVar variation 1052077 (VCV001052077.9), dbSNP rs748175246, ClinGen allele CA4426437.

ClinVar aggregate classification (germline): Uncertain significance (1 of 4 stars; one submission).

Allele frequency attached by ClinVar (database versions not stated): gnomAD exomes below 0.00001; TOPMed below 0.00001; gnomAD 0.00001; ExAC 0.00002.
gnomAD v4.1: 9 of 1,612,148 alleles (0.00056%); highest among the groups gnomAD compares: African/African-American, 0.0013%; no homozygotes.

Submission:

Labcorp Genetics (formerly Invitae), Labcorp
Classification: Uncertain significance. Last evaluated: 2022-12-03. Review status: criteria provided, single submitter. Criteria: Invitae Variant Classification Sherloc (09022015). Collection method: clinical testing. Allele origin: germline.
Comment: This sequence change falls in intron 4 of the RINT1 gene. It does not directly change the encoded amino acid sequence of the RINT1 protein. It affects a nucleotide within the consensus splice site. This variant is present in population databases (rs748175246, gnomAD 0.002%). This variant has not been reported in the literature in individuals affected with RINT1-related conditions. ClinVar contains an entry for this variant (Variation ID: 1052077). Variants that disrupt the consensus splice site are a relatively common cause of aberrant splicing (PMID: 17576681, 9536098). Algorithms developed to predict the effect of sequence changes on RNA splicing suggest that this variant is not likely to affect RNA splicing. In summary, the available evidence is currently insufficient to determine the role of this variant in disease. Therefore, it has been classified as a Variant of Uncertain Significance.

Literature cited by the submitters: PubMed 17576681; PubMed 9536098.